The following is an entry in ClinVar:

NM_005413.4(SIX3):c.715C>G (p.Leu239Val)

Gene: SIX3 (SIX homeobox 3; plus strand). Cytogenetic location: 2p21.
Variant type: single nucleotide variant.
Coding change: c.715C>G on transcript NM_005413.4 (MANE Select); coding-DNA position 715, C replaced by G.
Protein change: p.Leu239Val; replaces leucine 239 with valine.
Molecular consequence: missense variant.
Genome position (GRCh38, 1-based): chr2:44,942,819, C>G. VCF-style: chr2-44942819-C-G. GRCh37 (hg19) VCF-style: chr2-45169958-C-G.
Other names: short protein forms L239V.
Identifiers: ClinVar variation 1723695 (VCV001723695.2), dbSNP rs763491194, ClinGen allele CA346800209.
Genomic context (GRCh38, chr2:44,942,819, plus strand): 5'-AGCCTGTTGCGGGAGTGGTACCTACAGGACCCCTACCCCAACCCCAGCAAGAAACGCGAA[C>G]TGGCGCAGGCCACCGGCCTCACTCCCACACAAGTAGGCAACTGGTTTAAGAACCGGCGGC-3'
Protein context (NP_005404.1, residues 229-249): PYPNPSKKRE[Leu239Val]AQATGLTPTQ

ClinVar aggregate classification (germline): Uncertain significance (1 of 4 stars; one submission).

Submission:

GeneDx
Classification: Uncertain significance. Last evaluated: 2022-05-12. Review status: criteria provided, single submitter. Criteria: GeneDx Variant Classification Process June 2021. Collection method: clinical testing. Allele origin: germline. Affected: yes.
Comment: Not observed at significant frequency in large population cohorts (gnomAD); In silico analysis supports that this missense variant has a deleterious effect on protein structure/function; Has not been previously published as pathogenic or benign to our knowledge